The following is an entry in ClinVar:

NM_003235.5(TG):c.7396dup (p.Gln2466fs)

Genes: TG (thyroglobulin; plus strand), SLA (Src like adaptor; minus strand). Cytogenetic location: 8q24.22.
Variant type: Duplication.
Coding change: c.7396dup on transcript NM_003235.5 (MANE Select); coding-DNA position 7396, one base duplicated (C; older notation c.7396dupC).
Protein change: p.Gln2466fs; shifts the reading frame from glutamine 2466.
Molecular consequence: frameshift variant. On other transcripts: intron variant (4).
Genome position (GRCh38, 1-based): chr8:133,095,200, C duplicated; the last of 3 consecutive C bases (chr8:133,095,198-133,095,200); duplicating any one gives the same sequence. VCF-style (leftmost placement, unchanged base first): chr8-133095197-G-GC. GRCh37 (hg19) VCF-style: chr8-134107441-G-GC.
Other names: c.-264+7355dup (NM_001282965.2); c.11+7355dup (NM_001282964.2, NM_001045557.3); c.-319+7355dup (NM_001045556.3); short protein forms Q2466fs.
Identifiers: ClinVar variation 1073984 (VCV001073984.7), dbSNP rs2131636581, ClinGen allele CA2499219122.

ClinVar aggregate classification (germline): Pathogenic (1 of 4 stars; one submission).

Submission:

Labcorp Genetics (formerly Invitae), Labcorp
Classification: Pathogenic. Last evaluated: 2017-07-08. Review status: criteria provided, single submitter. Criteria: Invitae Variant Classification Sherloc (09022015). Collection method: clinical testing. Allele origin: germline.
Comment: For these reasons, this variant has been classified as Pathogenic. Loss-of-function variants in TG are known to be pathogenic (PMID: 12915634, 19837936, 23164529). This variant has not been reported in the literature in individuals with TG-related disease. This variant is not present in population databases (ExAC no frequency). This sequence change creates a premature translational stop signal (p.Gln2466Profs*25) in the TG gene. It is expected to result in an absent or disrupted protein product.

Literature cited by the submitters: PubMed 12915634; PubMed 19837936; PubMed 23164529.